The following is an entry in ClinVar:

ClinVar aggregate classification (germline): Uncertain significance (1 of 4 stars; one submission).

Submission:

Labcorp Genetics (formerly Invitae), Labcorp
Classification: Uncertain significance. Last evaluated: 2024-08-29. Review status: criteria provided, single submitter. Criteria: Invitae Variant Classification Sherloc (09022015). Collection method: clinical testing. Allele origin: germline.
Comment: This sequence change replaces leucine, which is neutral and non-polar, with proline, which is neutral and non-polar, at codon 1686 of the POLE protein (p.Leu1686Pro). This variant is not present in population databases (gnomAD no frequency). This variant has not been reported in the literature in individuals affected with POLE-related conditions. Invitae Evidence Modeling of protein sequence and biophysical properties (such as structural, functional, and spatial information, amino acid conservation, physicochemical variation, residue mobility, and thermodynamic stability) indicates that this missense variant is not expected to disrupt POLE protein function with a negative predictive value of 80%. In summary, the available evidence is currently insufficient to determine the role of this variant in disease. Therefore, it has been classified as a Variant of Uncertain Significance.

NM_006231.4(POLE):c.5057T>C (p.Leu1686Pro)

Gene: POLE (DNA polymerase epsilon, catalytic subunit; minus strand). Cytogenetic location: 12q24.33.
Variant type: single nucleotide variant.
Coding change: c.5057T>C on transcript NM_006231.4 (MANE Select); coding-DNA position 5057, T replaced by C.
Protein change: p.Leu1686Pro; replaces leucine 1686 with proline.
Molecular consequence: missense variant.
Genome position (GRCh38, 1-based): chr12:132,642,293, A>G on the plus strand (T>C on the coding strand, the complement: POLE is on the minus strand). VCF-style: chr12-132642293-A-G. GRCh37 (hg19) VCF-style: chr12-133218879-A-G.
Other names: short protein forms L1686P.
Identifiers: ClinVar variation 3663915 (VCV003663915.2).